The following is an entry in ClinVar:

ClinVar aggregate classification (germline): Likely pathogenic (1 of 4 stars; one submission).

Submission:

Labcorp Genetics (formerly Invitae), Labcorp
Classification: Likely pathogenic. Last evaluated: 2023-07-18. Review status: criteria provided, single submitter. Criteria: Invitae Variant Classification Sherloc (09022015). Collection method: clinical testing. Allele origin: germline.
Comment: In summary, the currently available evidence indicates that the variant is pathogenic, but additional data are needed to prove that conclusively. Therefore, this variant has been classified as Likely Pathogenic. Experimental studies and prediction algorithms are not available or were not evaluated, and the functional significance of this variant is currently unknown. This variant has been observed in individual(s) with clinical features of spondyloepiphyseal dysplasia congenita (Invitae). In at least one individual the variant was observed to be de novo. This variant is not present in population databases (gnomAD no frequency). This variant, c.2103_2108dup, results in the insertion of 2 amino acid(s) of the COL2A1 protein (p.Gly702_Phe703insLeuGly), but otherwise preserves the integrity of the reading frame.

NM_001844.5(COL2A1):c.2103_2108dup (p.Gly702_Phe703insLeuGly)

Gene: COL2A1 (collagen type II alpha 1 chain; minus strand). Cytogenetic location: 12q13.11.
Variant type: Duplication.
Coding change: c.2103_2108dup on transcript NM_001844.5 (MANE Select); coding-DNA positions 2103 to 2108, 6 bases duplicated (AGGTTT; older notation c.2103_2108dupAGGTTT).
Protein change: p.Gly702_Phe703insLeuGly.
Molecular consequence: inframe insertion.
Genome position (GRCh38, 1-based): chr12:47,982,933-47,982,938, AAACCT duplicated on the plus strand (AGGTTT on the coding strand, the reverse complement: COL2A1 is on the minus strand). VCF-style (leftmost placement, unchanged base first): chr12-47982932-G-GAAACCT. GRCh37 (hg19) VCF-style: chr12-48376715-G-GAAACCT.
Other names: c.1896_1901dup, p.Gly633_Phe634insLeuGly (NM_033150.3).
Identifiers: ClinVar variation 2719958 (VCV002719958.3), dbSNP rs2540136183, ClinGen allele CA2697559213.